The following is an entry in ClinVar:

NM_018136.5(ASPM):c.9954T>C (p.Tyr3318=)

Gene: ASPM (assembly factor for spindle microtubules; minus strand). Cytogenetic location: 1q31.3.
Variant type: single nucleotide variant.
Coding change: c.9954T>C on transcript NM_018136.5 (MANE Select); coding-DNA position 9954, T replaced by C.
Protein change: p.Tyr3318=; no amino-acid change (tyrosine 3318 retained).
Molecular consequence: synonymous variant.
Genome position (GRCh38, 1-based): chr1:197,089,960, A>G on the plus strand (T>C on the coding strand, the complement: ASPM is on the minus strand). VCF-style: chr1-197089960-A-G. GRCh37 (hg19) VCF-style: chr1-197059090-A-G.
Other names: c.5199T>C, p.Tyr1733= (NM_001206846.2).
Identifiers: ClinVar variation 2672374 (VCV002672374.23), dbSNP rs2527259503, ClinGen allele CA422805060.

ClinVar aggregate classification (germline): Likely benign (1 of 4 stars; one submission).

Submission:

CeGaT Center for Human Genetics Tuebingen
Classification: Likely benign. Last evaluated: 2023-11-01. Review status: criteria provided, single submitter. Criteria: CeGaT Center For Human Genetics Tuebingen Variant Classification Criteria Version 2. Collection method: clinical testing. Allele origin: germline. Affected: yes. Observed: 1 variant allele.
Comment: ASPM: PM2:Supporting, BP4, BP7